The following is an entry in ClinVar:

ClinVar aggregate classification (germline): Pathogenic (1 of 4 stars; one submission).

Conditions:
Oligodontia-cancer predisposition syndrome. Also called: TOOTH AGENESIS-COLORECTAL CANCER SYNDROME. Identifiers: Orphanet 300576, MedGen C1837750, MONDO:0012075, OMIM 608615. Disease mechanism: loss of function.

Submission:

Labcorp Genetics (formerly Invitae), Labcorp
Classification: Pathogenic for Oligodontia-cancer predisposition syndrome. Last evaluated: 2020-08-23. Review status: criteria provided, single submitter. Criteria: Invitae Variant Classification Sherloc (09022015). Collection method: clinical testing. Allele origin: germline.
Comment: This sequence change creates a premature translational stop signal (p.Asp194Serfs*16) in the AXIN2 gene. It is expected to result in an absent or disrupted protein product. This variant is not present in population databases (ExAC no frequency). This variant has not been reported in the literature in individuals with AXIN2-related conditions. Loss-of-function variants in AXIN2 are known to be pathogenic (PMID: 15042511, 21416598). For these reasons, this variant has been classified as Pathogenic.

Literature cited by the submitters: PubMed 15042511; PubMed 21416598.

NM_004655.4(AXIN2):c.579_717del (p.Asp194fs)

Gene: AXIN2 (axin 2; minus strand). Cytogenetic location: 17q24.1.
Variant type: Deletion.
Coding change: c.579_717del on transcript NM_004655.4 (MANE Select); coding-DNA positions 579 to 717, 139 bases deleted.
Protein change: p.Asp194fs; shifts the reading frame from aspartic acid 194.
Molecular consequence: frameshift variant.
Genome position (GRCh38, 1-based): chr17:65,557,904-65,558,042, 139 bases deleted. GRCh37 (hg19): chr17:63,554,028-63,554,166.
Other names: c.579_717del, p.Asp194fs (NM_001363813.1); short protein forms D194fs.
Identifiers: ClinVar variation 1075037 (VCV001075037.7), dbSNP rs2144582778, ClinGen allele CA2499224855.